The following is an entry in ClinVar:

NM_025215.6(PUS1):c.904G>A (p.Val302Met)

Gene: PUS1 (pseudouridine synthase 1; plus strand). Cytogenetic location: 12q24.33.
Variant type: single nucleotide variant.
Coding change: c.904G>A on transcript NM_025215.6 (MANE Select); coding-DNA position 904, G replaced by A.
Protein change: p.Val302Met; replaces valine 302 with methionine.
Molecular consequence: missense variant.
Genome position (GRCh38, 1-based): chr12:131,941,651, G>A. VCF-style: chr12-131941651-G-A. GRCh37 (hg19) VCF-style: chr12-132426196-G-A.
Other names: c.820G>A, p.Val274Met (NM_001002019.3, NM_001002020.3); short protein forms V274M, V302M.
Identifiers: ClinVar variation 763065 (VCV000763065.15), dbSNP rs148057665, ClinGen allele CA6884266.
Genomic context (GRCh38, chr12:131,941,651, plus strand): 5'-ATCAGGGTGAAGGGCCAGAGCTTCATGATGCATCAGATCCGGAAGATGGTCGGCCTGGTG[G>A]TGGCCATTGTGAAGGGTTATGCCCCTGAGAGCGTGCTGGAGCGCAGCTGGGGCACAGAGA-3'
Protein context (NP_079491.2, residues 292-312): HQIRKMVGLV[Val302Met]AIVKGYAPES

ClinVar aggregate classification (germline): Conflicting classifications of pathogenicity. Review status: criteria provided, conflicting classifications (1 of 4 stars). 4 submissions from 4 submitters: Uncertain significance (1); Likely benign (1). 2 of the submissions do not count toward it. Last evaluated 2026-01-25.

Conditions:
PUS1-related disorder. Also called: PUS1-related condition.
Myopathy, lactic acidosis, and sideroblastic anemia 1 (MLASA1). Identifiers: Orphanet 2598, MedGen C4551958, MONDO:0024553, OMIM 600462.

Allele frequency attached by ClinVar (database versions not stated): TOPMed 0.00008; gnomAD 0.00009 and 0.00011; 1000 Genomes Project 0.00020; 1000 Genomes Project 30x 0.00031.
gnomAD v4.1: 82 of 1,614,202 alleles (0.0051%); highest among the groups gnomAD compares: East Asian, 0.18%; no homozygotes.

Submissions (4):

Labcorp Genetics (formerly Invitae), Labcorp
Classification: Likely benign. Last evaluated: 2026-01-25. Review status: criteria provided, single submitter. Criteria: Invitae Variant Classification Sherloc (09022015). Collection method: clinical testing. Allele origin: germline.

GeneDx
Classification: Uncertain significance. Last evaluated: 2024-12-11. Review status: criteria provided, single submitter. Criteria: GeneDx Variant Classification Process June 2021. Collection method: clinical testing. Allele origin: germline. Affected: yes.
Comment: In silico analysis indicates that this missense variant does not alter protein structure/function; Has not been previously published as pathogenic or benign to our knowledge

PreventionGenetics, part of Exact Sciences
Classification: Likely benign for PUS1-related condition. Last evaluated: 2024-03-05. Review status: no assertion criteria provided. Collection method: clinical testing. Allele origin: germline. Not counted in ClinVar's aggregate classification.
Comment: This variant is classified as likely benign based on ACMG/AMP sequence variant interpretation guidelines (Richards et al. 2015 PMID: 25741868, with internal and published modifications).

Natera, Inc.
Classification: Uncertain significance for Myopathy, lactic acidosis, and sideroblastic anemia 1. Last evaluated: 2020-01-24. Review status: no assertion criteria provided. Collection method: clinical testing. Allele origin: germline. Not counted in ClinVar's aggregate classification.